The following is an entry in ClinVar:

NM_003923.3(FOXH1):c.457C>A (p.Pro153Thr)

Gene: FOXH1 (forkhead box H1; minus strand). Cytogenetic location: 8q24.3.
Variant type: single nucleotide variant.
Coding change: c.457C>A on transcript NM_003923.3 (MANE Select); coding-DNA position 457, C replaced by A.
Protein change: p.Pro153Thr; replaces proline 153 with threonine.
Molecular consequence: missense variant.
Genome position (GRCh38, 1-based): chr8:144,474,879, G>T on the plus strand (C>A on the coding strand, the complement: FOXH1 is on the minus strand). VCF-style: chr8-144474879-G-T. GRCh37 (hg19) VCF-style: chr8-145700262-G-T.
Other names: short protein forms P153T.
Identifiers: ClinVar variation 2633046 (VCV002633046.1), dbSNP rs1437560600, ClinGen allele CA372724808.
Genomic context (GRCh38, chr8:144,474,879, plus strand): 5'-GCAGGGACTTGATGCTGAAGCCCTCACTGGGTGGTGGCGGGGGACTGGGCGGCCGGTATG[G>T]CCGGCCGTGCAGCACGTAGGGGCCCAGGTCCTTGGCGAAGGCTCCACGCGCACCTCCGTT-3'
Protein context (NP_003914.1, residues 143-163): DLGPYVLHGR[Pro153Thr]YRPPSPPPPP

ClinVar aggregate classification (germline): Uncertain significance (1 of 4 stars; one submission).

Conditions:
FOXH1-related disorder. Also called: FOXH1-related condition.

Submission:

PreventionGenetics, part of Exact Sciences
Classification: Uncertain significance for FOXH1-related condition. Last evaluated: 2023-08-03. Review status: criteria provided, single submitter. Criteria: ACMG Guidelines, 2015. Collection method: clinical testing. Allele origin: germline.
Comment: The FOXH1 c.457C>A variant is predicted to result in the amino acid substitution p.Pro153Thr. To our knowledge, this variant has not been reported in the literature or in a large population database, indicating this variant is rare. At this time, the clinical significance of this variant is uncertain due to the absence of conclusive functional and genetic evidence.